The following is an entry in ClinVar:

NM_020163.3(SEMA3G):c.524G>A (p.Ser175Asn)

Gene: SEMA3G (semaphorin 3G; minus strand). Cytogenetic location: 3p21.1.
Variant type: single nucleotide variant.
Coding change: c.524G>A on transcript NM_020163.3 (MANE Select); coding-DNA position 524, G replaced by A.
Protein change: p.Ser175Asn; replaces serine 175 with asparagine.
Molecular consequence: missense variant.
Genome position (GRCh38, 1-based): chr3:52,441,845, C>T on the plus strand (G>A on the coding strand, the complement: SEMA3G is on the minus strand). VCF-style: chr3-52441845-C-T. GRCh37 (hg19) VCF-style: chr3-52475861-C-T.
Other names: short protein forms S175N.
Identifiers: ClinVar variation 4986018 (VCV004986018.1).
Genomic context (GRCh38, chr3:52,441,845, plus strand): 5'-TCCCTGTTCTCACCCTGGCCTGGGCATCACCCACCTATGAAGGTGCTGGCAAAGGGACGG[C>T]TGGGCTCGTGAGGGCACCGCCCCCGGCCACTTTCCACACTGCCAGGCTCCAGGTGGAGCA-3'
Protein context (NP_064548.1, residues 165-185): SGRGRCPHEP[Ser175Asn]RPFASTFIDG

ClinVar aggregate classification (germline): Uncertain significance (1 of 4 stars; one submission).

Conditions:
SEMA3G-related disorder. Also called: SEMA3G-related condition.

Submission:

PreventionGenetics, part of Exact Sciences
Classification: Uncertain significance for SEMA3G-related condition. Last evaluated: 2025-09-09. Review status: criteria provided, single submitter. Criteria: ACMG Guidelines, 2015. Collection method: clinical testing. Allele origin: germline.
Comment: The SEMA3G c.524G>A variant is predicted to result in the amino acid substitution p.Ser175Asn. To our knowledge, this variant has not been reported in the literature. This variant is reported in 0.0% of alleles in individuals of African descent in gnomAD. At this time, the clinical significance of this variant is uncertain due to the absence of conclusive functional and genetic evidence.